The following is an entry in ClinVar:

NM_001257096.2(PAX1):c.*203T>C

Gene: PAX1 (paired box 1; plus strand). Cytogenetic location: 20p11.22.
Variant type: single nucleotide variant.
Coding change: c.*203T>C on transcript NM_001257096.2 (MANE Select); 203 bases downstream of the stop codon, T replaced by C.
Molecular consequence: 3 prime UTR variant. On other transcripts: missense variant (1).
Genome position (GRCh38, 1-based): chr20:21,714,765, T>C. VCF-style: chr20-21714765-T-C. GRCh37 (hg19) VCF-style: chr20-21695403-T-C.
Other names: c.1567T>C, p.Trp523Arg (NM_006192.5); short protein forms W523R.
Identifiers: ClinVar variation 4694280 (VCV004694280.1).

ClinVar aggregate classification (germline): Uncertain significance (1 of 4 stars; one submission).

Submission:

Labcorp Genetics (formerly Invitae), Labcorp
Classification: Uncertain significance. Last evaluated: 2025-11-17. Review status: criteria provided, single submitter. Criteria: Invitae Variant Classification Sherloc (09022015). Collection method: clinical testing. Allele origin: germline.
Comment: This sequence change replaces tryptophan, which is neutral and slightly polar, with arginine, which is basic and polar, at codon 523 of the PAX1 protein (p.Trp523Arg). This variant is present in population databases (rs779583560, gnomAD 0.01%). This variant has not been reported in the literature in individuals affected with PAX1-related conditions. An algorithm developed to predict the effect of missense changes on protein structure and function outputs the following: PolyPhen-2: "Benign". The arginine amino acid residue is found in multiple mammalian species, which suggests that this missense change does not adversely affect protein function. In summary, the available evidence is currently insufficient to determine the role of this variant in disease. Therefore, it has been classified as a Variant of Uncertain Significance.